The following is an entry in ClinVar:

ClinVar aggregate classification (germline): Uncertain significance (1 of 4 stars; one submission).

Submission:

GeneDx
Classification: Uncertain significance. Last evaluated: 2024-11-19. Review status: criteria provided, single submitter. Criteria: GeneDx Variant Classification Process June 2021. Collection method: clinical testing. Allele origin: germline. Affected: yes.
Comment: In silico analysis supports that this missense variant has a deleterious effect on protein structure/function; Has not been previously published as pathogenic or benign to our knowledge

NM_004738.5(VAPB):c.551G>T (p.Arg184Leu)

Gene: VAPB (VAMP associated protein B and C; plus strand). Cytogenetic location: 20q13.32.
Variant type: single nucleotide variant.
Coding change: c.551G>T on transcript NM_004738.5 (MANE Select); coding-DNA position 551, G replaced by T.
Protein change: p.Arg184Leu; replaces arginine 184 with leucine.
Molecular consequence: missense variant. On other transcripts: non-coding transcript variant (1), intron variant (1).
Genome position (GRCh38, 1-based): chr20:58,441,061, G>T. VCF-style: chr20-58441061-G-T. GRCh37 (hg19) VCF-style: chr20-57016117-G-T.
Other names: c.212-3016G>T (NM_001195677.2); short protein forms R184L.
Identifiers: ClinVar variation 3900210 (VCV003900210.1).